The following is an entry in ClinVar:

NM_001195248.2(APTX):c.271A>G (p.Asn91Asp)

Gene: APTX (aprataxin; minus strand). Cytogenetic location: 9p21.1.
Variant type: single nucleotide variant.
Coding change: c.271A>G on transcript NM_001195248.2 (MANE Select); coding-DNA position 271, A replaced by G.
Protein change: p.Asn91Asp; replaces asparagine 91 with aspartic acid.
Molecular consequence: missense variant. On other transcripts: non-coding transcript variant (3), intron variant (5).
Genome position (GRCh38, 1-based): chr9:32,987,756, T>C on the plus strand (A>G on the coding strand, the complement: APTX is on the minus strand). VCF-style: chr9-32987756-T-C. GRCh37 (hg19) VCF-style: chr9-32987754-T-C.
Other names: NC_000009.11:g.32987754T>C; c.271A>G, p.Asn91Asp (NM_001195249.2, NM_001195251.2, NM_001368995.1 and 6 more transcripts); c.7A>G, p.Asn3Asp (NM_001369002.1, NM_001369003.1, NM_001369004.1 and 5 more transcripts); c.134-25A>G (NM_001369001.1, NM_001369000.1, NM_001195250.2 and 1 more transcripts); c.267+4A>G (NM_001195252.2); short protein forms N3D, N91D.
Identifiers: ClinVar variation 3899185 (VCV003899185.2).

ClinVar aggregate classification (germline): Uncertain significance (1 of 4 stars; one submission).

Submissions (2):

GeneDx
Classification: Uncertain significance. Last evaluated: 2024-11-11. Review status: criteria provided, single submitter. Criteria: GeneDx Variant Classification Process June 2021. Collection method: clinical testing. Allele origin: germline. Affected: yes.
Comment: Not observed at significant frequency in large population cohorts (gnomAD); In silico analysis supports that this missense variant has a deleterious effect on protein structure/function; Has not been previously published as pathogenic or benign to our knowledge

Dr. Peter K. Rogan Lab, Western University
No classification provided (evidence only). Condition: Glioma susceptibility 1. Review status: no classification provided. Collection method: in vitro. Allele origin: not applicable. Functional consequence: retained intron. Not counted in ClinVar's aggregate classification.